The following is an entry in ClinVar:

ClinVar aggregate classification (germline): Uncertain significance (1 of 4 stars; one submission).

Submission:

GeneDx
Classification: Uncertain significance. Last evaluated: 2025-08-05. Review status: criteria provided, single submitter. Criteria: GeneDx Variant Classification Process June 2021. Collection method: clinical testing. Allele origin: germline. Affected: yes.
Comment: Not observed at significant frequency in large population cohorts (gnomAD); Missense variant in a gene in which most reported pathogenic variants are truncating/loss of function; Has not been previously published as pathogenic or benign to our knowledge

NM_001267550.2(TTN):c.46729C>G (p.Leu15577Val)

Genes: TTN-AS1 (TTN antisense RNA 1; plus strand), TTN (titin; minus strand). Cytogenetic location: 2q31.2.
Variant type: single nucleotide variant.
Coding change: c.46729C>G on transcript NM_001267550.2 (MANE Select); coding-DNA position 46729, C replaced by G.
Protein change: p.Leu15577Val; replaces leucine 15577 with valine.
Molecular consequence: missense variant.
Genome position (GRCh38, 1-based): chr2:178,618,821, G>C on the plus strand (C>G on the coding strand, the complement: TTN is on the minus strand). VCF-style: chr2-178618821-G-C. GRCh37 (hg19) VCF-style: chr2-179483548-G-C.
Other names: c.41806C>G, p.Leu13936Val (NM_001256850.1); c.19534C>G, p.Leu6512Val (NM_003319.4); c.39025C>G, p.Leu13009Val (NM_133378.4); c.19909C>G, p.Leu6637Val (NM_133432.3); c.20110C>G, p.Leu6704Val (NM_133437.4); short protein forms L13009V, L13936V, L15577V, L6512V, L6637V, L6704V.
Identifiers: ClinVar variation 4755879 (VCV004755879.1).
Genomic context (GRCh38, chr2:178,618,821, plus strand): 5'-CTTTGGGGTAGGCATCATATGGCACCACCATTGTCAGAGGCTTGCCAACATCAACCACAA[G>C]GTCTTGGTCAGCTGTCTTGATTTTTGGTGCAGCTAGTGAGAAAGATAACATGTGAACGCT-3'
Protein context (NP_001254479.2, residues 15567-15587): APKIKTADQD[Leu15577Val]VVDVGKPLTM